The following is an entry in ClinVar:

NM_001148.6(ANK2):c.10693G>A (p.Glu3565Lys)

Gene: ANK2 (ankyrin 2; plus strand). Cytogenetic location: 4q26.
Variant type: single nucleotide variant.
Coding change: c.10693G>A on transcript NM_001148.6 (MANE Select); coding-DNA position 10693, G replaced by A.
Protein change: p.Glu3565Lys; replaces glutamic acid 3565 with lysine.
Molecular consequence: missense variant.
Genome position (GRCh38, 1-based): chr4:113,360,834, G>A. VCF-style: chr4-113360834-G-A. GRCh37 (hg19) VCF-style: chr4-114281990-G-A.
Other names: p.E3565K:GAG>AAG; c.4411G>A, p.Glu1471Lys (NM_001127493.3); c.4450G>A, p.Glu1484Lys (NM_001354225.2); c.4339G>A, p.Glu1447Lys (NM_001354228.2, NM_001354258.2); c.4417G>A, p.Glu1473Lys (NM_001354230.2); c.4480G>A, p.Glu1494Lys (NM_001354231.2, NM_001354242.2); c.4474G>A, p.Glu1492Lys (NM_001354232.2); c.4435G>A, p.Glu1479Lys (NM_001354235.2, NM_001354246.2, NM_001354265.2); and 36 more; short protein forms E1471K, E3565K, E1405K, E1409K, E1418K, E1426K, E1447K, E1506K.
Identifiers: ClinVar variation 190573 (VCV000190573.3), dbSNP rs786205727, ClinGen allele CA300918.

ClinVar aggregate classification (germline): Conflicting classifications of pathogenicity. Review status: criteria provided, conflicting classifications (1 of 4 stars). 2 submissions from 2 submitters: Uncertain significance (1); Likely benign (1). Last evaluated 2019-04-09.

Conditions:
Congestive heart failure. Identifiers: MedGen C0018802, MONDO:0005009, HP:0001635.

Allele frequency attached by ClinVar (database versions not stated): gnomAD 0.00001.
gnomAD v4.1: 1 of 1,612,512 alleles (0.000062%); highest among the groups gnomAD compares: Non-Finnish European, 0.000085%; no homozygotes.

Submissions (2):

Center for Advanced Laboratory Medicine, UC San Diego Health, University of California San Diego
Classification: Likely benign for Congestive heart failure. Last evaluated: 2019-04-09. Review status: criteria provided, single submitter. Criteria: ACMG Guidelines, 2015. Collection method: clinical testing. Allele origin: germline. Affected: yes. Observed: 1 variant allele.

GeneDx
Classification: Uncertain significance. Last evaluated: 2014-08-26. Review status: criteria provided, single submitter. Criteria: GeneDx Variant Classification (06012015). Collection method: clinical testing. Allele origin: germline. Affected: yes.
Comment: p.Glu3565Lys (GAG>AAG): c.10693 G>A in exon 39 of the ANK2 gene (NM_001148.4). Although rare, mutations in the ANK2 gene have been reported previously in association with LQTS (Mohler P et al., 2003). The E3565K variant has not been published as a mutation, nor has it been reported as a benign polymorphism to our knowledge. The E3565K variant was not observed in approximately 6,500 individuals of European and African American ancestry in the NHLBI Exome Sequencing Project, indicating it is not a common benign variant in these populations. The E3565K variant is a non-conservative amino acid substitution, which is likely to impact secondary protein structure as these residues differ in polarity, charge, size and/or other properties. This substitution occurs at a position that is moderately conserved among mammals. Additionally, in silico analysis predicts this variant is probably damaging to the protein structure/function. However, only a single missense mutation in a nearby residue (E3570K) has been reported in association with LQTS, indicating this region of the protein may be tolerant of change. Therefore, based on the currently available information, it is unclear whether this variant is a pathogenic mutation or a rare benign variant. The variant is found in ARRHYTHMIA panel(s).